The following is an entry in ClinVar:

NM_000222.3(KIT):c.1261C>A (p.Leu421Ile)

Gene: KIT (KIT proto-oncogene, receptor tyrosine kinase; plus strand). Cytogenetic location: 4q12.
Variant type: single nucleotide variant.
Coding change: c.1261C>A on transcript NM_000222.3 (MANE Select); coding-DNA position 1261, C replaced by A.
Protein change: p.Leu421Ile; replaces leucine 421 with isoleucine.
Molecular consequence: missense variant.
Genome position (GRCh38, 1-based): chr4:54,723,613, C>A. VCF-style: chr4-54723613-C-A. GRCh37 (hg19) VCF-style: chr4-55589779-C-A.
Other names: c.1264C>A, p.Leu422Ile (NM_001385284.1, NM_001385288.1, NM_001385290.1 and 1 more transcripts); c.1261C>A, p.Leu421Ile (NM_001385285.1, NM_001385286.1, NM_001093772.2); short protein forms L421I, L422I.
Identifiers: ClinVar variation 1057436 (VCV001057436.11), dbSNP rs1560414379, ClinGen allele CA356905431.
Genomic context (GRCh38, chr4:54,723,613, plus strand): 5'-CTGACATATGGCCATTTCTGTTTTCCTGTAGCAAAACCAGAAATCCTGACTTACGACAGG[C>A]TCGTGAATGGCATGCTCCAATGTGTGGCAGCAGGATTCCCAGAGCCCACAATAGATTGGT-3'
Protein context (NP_000213.1, residues 411-431): TKPEILTYDR[Leu421Ile]VNGMLQCVAA

ClinVar aggregate classification (germline): Uncertain significance. Review status: criteria provided, multiple submitters, no conflicts (2 of 4 stars). 2 submissions from 2 submitters: Uncertain significance (2). Last evaluated 2024-05-20.

Conditions:
Gastrointestinal stromal tumor. Also called: Gastrointestinal stromal tumor, somatic; Gastrointestinal stroma tumor. Identifiers: Orphanet 44890, MedGen C0238198, MeSH D046152, MONDO:0011719, OMIM 606764, HP:0100723.
Hereditary cancer-predisposing syndrome. Also called: Tumor predisposition; Neoplastic Syndromes, Hereditary; Hereditary neoplastic syndrome; Hereditary Cancer Syndrome. Identifiers: Orphanet 140162, MedGen C0027672, MeSH D009386, MONDO:0015356.

gnomAD v4.1: 2 of 1,614,024 alleles (0.00012%); highest among the groups gnomAD compares: Non-Finnish European, 0.00017%; no homozygotes.

Submissions (2):

Labcorp Genetics (formerly Invitae), Labcorp
Classification: Uncertain significance for Gastrointestinal stromal tumor. Last evaluated: 2024-05-20. Review status: criteria provided, single submitter. Criteria: Invitae Variant Classification Sherloc (09022015). Collection method: clinical testing. Allele origin: germline.
Comment: This sequence change replaces leucine, which is neutral and non-polar, with isoleucine, which is neutral and non-polar, at codon 421 of the KIT protein (p.Leu421Ile). This variant is not present in population databases (gnomAD no frequency). This variant has not been reported in the literature in individuals affected with KIT-related conditions. ClinVar contains an entry for this variant (Variation ID: 1057436). An algorithm developed to predict the effect of missense changes on protein structure and function (PolyPhen-2) suggests that this variant is likely to be disruptive. In summary, the available evidence is currently insufficient to determine the role of this variant in disease. Therefore, it has been classified as a Variant of Uncertain Significance.

Ambry Genetics
Classification: Uncertain significance for Hereditary cancer-predisposing syndrome. Last evaluated: 2020-12-18. Review status: criteria provided, single submitter. Criteria: Ambry Variant Classification Scheme 2023. Collection method: clinical testing. Allele origin: germline.
Comment: The p.L421I variant (also known as c.1261C>A), located in coding exon 8 of the KIT gene, results from a C to A substitution at nucleotide position 1261. The leucine at codon 421 is replaced by isoleucine, an amino acid with highly similar properties. This amino acid position is not well conserved in available vertebrate species. In addition, this alteration is predicted to be tolerated by in silico analysis. Since supporting evidence is limited at this time, the clinical significance of this alteration remains unclear.